The following is an entry in ClinVar:

NM_021815.5(SLC5A7):c.772T>C (p.Phe258Leu)

Gene: SLC5A7 (solute carrier family 5 member 7; plus strand). Cytogenetic location: 2q12.3.
Variant type: single nucleotide variant.
Coding change: c.772T>C on transcript NM_021815.5 (MANE Select); coding-DNA position 772, T replaced by C.
Protein change: p.Phe258Leu; replaces phenylalanine 258 with leucine.
Molecular consequence: missense variant.
Genome position (GRCh38, 1-based): chr2:108,006,079, T>C. VCF-style: chr2-108006079-T-C. GRCh37 (hg19) VCF-style: chr2-108622535-T-C.
Other names: c.772T>C, p.Phe258Leu (NM_001305005.3); c.457T>C, p.Phe153Leu (NM_001305006.3); c.31T>C, p.Phe11Leu (NM_001305007.3); short protein forms F11L, F153L, F258L.
Identifiers: ClinVar variation 2947656 (VCV002947656.3), dbSNP rs1678107440, ClinGen allele CA348113106.

ClinVar aggregate classification (germline): Uncertain significance (1 of 4 stars; one submission).

Conditions:
Congenital myasthenic syndrome 20. Also called: Myasthenic syndrome, congenital, 20, presynaptic. Identifiers: MedGen C4310694, MONDO:0014939, OMIM 617143.
Neuronopathy, distal hereditary motor, type 7A. Also called: HARPER-YOUNG MYOPATHY; HMN VIIA; SPINAL MUSCULAR ATROPHY, DISTAL, WITH VOCAL CORD PARALYSIS; Neuronopathy, distal hereditary motor, type viia; NEURONOPATHY, DISTAL HEREDITARY MOTOR, HARDING TYPE VIIA; NEUROPATHY, DISTAL HEREDITARY MOTOR, HARDING TYPE VIIA. Identifiers: Orphanet 139589, MedGen C1834703, MONDO:0008024, OMIM 158580.

Allele frequency attached by ClinVar (database versions not stated): TOPMed below 0.00001.

Submission:

Labcorp Genetics (formerly Invitae), Labcorp
Classification: Uncertain significance for Neuronopathy, distal hereditary motor, type 7A; Congenital myasthenic syndrome 20. Last evaluated: 2023-05-11. Review status: criteria provided, single submitter. Criteria: Invitae Variant Classification Sherloc (09022015). Collection method: clinical testing. Allele origin: germline.
Comment: In summary, the available evidence is currently insufficient to determine the role of this variant in disease. Therefore, it has been classified as a Variant of Uncertain Significance. Advanced modeling of protein sequence and biophysical properties (such as structural, functional, and spatial information, amino acid conservation, physicochemical variation, residue mobility, and thermodynamic stability) performed at Invitae indicates that this missense variant is expected to disrupt SLC5A7 protein function. This variant has not been reported in the literature in individuals affected with SLC5A7-related conditions. This variant is not present in population databases (gnomAD no frequency). This sequence change replaces phenylalanine, which is neutral and non-polar, with leucine, which is neutral and non-polar, at codon 258 of the SLC5A7 protein (p.Phe258Leu).